The following is an entry in ClinVar:

ClinVar aggregate classification (germline): Uncertain significance. Review status: criteria provided, multiple submitters, no conflicts (2 of 4 stars). 2 submissions from 2 submitters: Uncertain significance (2). Last evaluated 2024-11-16.

Conditions:
Pierpont syndrome (PRPTS). Identifiers: Orphanet 487825, MedGen C1865644, MONDO:0011213, OMIM 602342.

Allele frequency attached by ClinVar (database versions not stated): gnomAD exomes below 0.00001; gnomAD 0.00001; TOPMed 0.00001.
gnomAD v4.1: 3 of 1,601,720 alleles (0.00019%); highest among the groups gnomAD compares: East Asian, 0.0045%; no homozygotes.

Submissions (2):

Labcorp Genetics (formerly Invitae), Labcorp
Classification: Uncertain significance for Pierpont syndrome. Last evaluated: 2024-11-16. Review status: criteria provided, single submitter. Criteria: Invitae Variant Classification Sherloc (09022015). Collection method: clinical testing. Allele origin: germline.
Comment: This sequence change replaces threonine, which is neutral and polar, with alanine, which is neutral and non-polar, at codon 402 of the TBL1XR1 protein (p.Thr402Ala). This variant is not present in population databases (gnomAD no frequency). This variant has not been reported in the literature in individuals affected with TBL1XR1-related conditions. ClinVar contains an entry for this variant (Variation ID: 1203906). Invitae Evidence Modeling of protein sequence and biophysical properties (such as structural, functional, and spatial information, amino acid conservation, physicochemical variation, residue mobility, and thermodynamic stability) indicates that this missense variant is not expected to disrupt TBL1XR1 protein function with a negative predictive value of 95%. In summary, the available evidence is currently insufficient to determine the role of this variant in disease. Therefore, it has been classified as a Variant of Uncertain Significance.

GeneDx
Classification: Uncertain significance. Last evaluated: 2019-12-03. Review status: criteria provided, single submitter. Criteria: GeneDx Variant Classification Process June 2021. Collection method: clinical testing. Allele origin: germline. Affected: yes.
Comment: Not observed in large population cohorts (Lek et al., 2016); In silico analysis, which includes protein predictors and evolutionary conservation, supports a deleterious effect; Has not been previously published as pathogenic or benign to our knowledge

NM_024665.7(TBL1XR1):c.1204A>G (p.Thr402Ala)

Gene: TBL1XR1 (TBL1X/Y related 1; minus strand). Cytogenetic location: 3q26.32.
Variant type: single nucleotide variant.
Coding change: c.1204A>G on transcript NM_024665.7 (MANE Select); coding-DNA position 1204, A replaced by G.
Protein change: p.Thr402Ala; replaces threonine 402 with alanine.
Molecular consequence: missense variant.
Genome position (GRCh38, 1-based): chr3:177,034,244, T>C on the plus strand (A>G on the coding strand, the complement: TBL1XR1 is on the minus strand). VCF-style: chr3-177034244-T-C. GRCh37 (hg19) VCF-style: chr3-176752032-T-C.
Other names: c.1204A>G, p.Thr402Ala (NM_001321193.3, NM_001321194.3, NM_001374327.1 and 2 more transcripts); c.943A>G, p.Thr315Ala (NM_001321195.3, NM_001374330.1); short protein forms T315A, T402A.
Identifiers: ClinVar variation 1203906 (VCV001203906.5), dbSNP rs1179402194, ClinGen allele CA355554664.